The following is an entry in ClinVar:

NM_001366244.2(GOLGA2):c.982T>C (p.Tyr328His)

Gene: GOLGA2 (golgin A2; minus strand). Cytogenetic location: 9q34.11.
Variant type: single nucleotide variant.
Coding change: c.982T>C on transcript NM_001366244.2 (MANE Select); coding-DNA position 982, T replaced by C.
Protein change: p.Tyr328His; replaces tyrosine 328 with histidine.
Molecular consequence: missense variant.
Genome position (GRCh38, 1-based): chr9:128,263,044, A>G on the plus strand (T>C on the coding strand, the complement: GOLGA2 is on the minus strand). VCF-style: chr9-128263044-A-G. GRCh37 (hg19) VCF-style: chr9-131025323-A-G.
Other names: c.901T>C, p.Tyr301His (NM_001366246.2, NM_001389698.2, NM_004486.6); c.967T>C, p.Tyr323His (NM_001389695.2); c.982T>C, p.Tyr328His (NM_001389696.2); c.889T>C, p.Tyr297His (NM_001389697.2); c.862T>C, p.Tyr288His (NM_001389699.2, NM_001389700.2); c.820T>C, p.Tyr274His (NM_001389701.2); c.796T>C, p.Tyr266His (NM_001389702.2); c.781T>C, p.Tyr261His (NM_001389703.2); and 3 more; short protein forms Y288H, Y328H, Y323H, Y183H, Y261H, Y266H, Y297H, Y301H.
Identifiers: ClinVar variation 4672484 (VCV004672484.2).

ClinVar aggregate classification (germline): Uncertain significance. Review status: criteria provided, multiple submitters, no conflicts (2 of 4 stars). 2 submissions from 2 submitters: Uncertain significance (2). Last evaluated 2025-09-25.

Conditions:
GOLGA2-related disorder. Also called: GOLGA2-related condition.

gnomAD v4.1: 47 of 1,607,958 alleles (0.0029%); highest among the groups gnomAD compares: South Asian, 0.0099%; no homozygotes.

Submissions (2):

Ambry Genetics
Classification: Uncertain significance. Last evaluated: 2025-09-25. Review status: criteria provided, single submitter. Criteria: Ambry Variant Classification Scheme 2023. Collection method: clinical testing. Allele origin: germline.

PreventionGenetics, part of Exact Sciences
Classification: Uncertain significance for GOLGA2-related condition. Last evaluated: 2025-04-28. Review status: criteria provided, single submitter. Criteria: ACMG Guidelines, 2015. Collection method: clinical testing. Allele origin: germline.
Comment: The GOLGA2 c.946T>C variant is predicted to result in the amino acid substitution p.Tyr316His. To our knowledge, this variant has not been reported in the literature. This variant is reported in 0.0098% of alleles in individuals of South Asian descent in gnomAD. At this time, the clinical significance of this variant is uncertain due to the absence of conclusive functional and genetic evidence.